The following is an entry in ClinVar:

ClinVar aggregate classification (germline): Pathogenic (1 of 4 stars; one submission).

Submission:

Labcorp Genetics (formerly Invitae), Labcorp
Classification: Pathogenic. Last evaluated: 2024-01-20. Review status: criteria provided, single submitter. Criteria: Invitae Variant Classification Sherloc (09022015). Collection method: clinical testing. Allele origin: germline.
Comment: This sequence change creates a premature translational stop signal (p.Gln1015*) in the COL17A1 gene. It is expected to result in an absent or disrupted protein product. Loss-of-function variants in COL17A1 are known to be pathogenic (PMID: 16473856, 17344927, 20301304, 21357940, 24319098). This variant is not present in population databases (gnomAD no frequency). This variant has not been reported in the literature in individuals affected with COL17A1-related conditions. Algorithms developed to predict the effect of sequence changes on RNA splicing suggest that this variant may disrupt the consensus splice site. For these reasons, this variant has been classified as Pathogenic.

Literature cited by the submitters: PubMed 16473856; PubMed 17344927; PubMed 20301304; PubMed 21357940; PubMed 24319098.

NM_000494.4(COL17A1):c.3043C>T (p.Gln1015Ter)

Gene: COL17A1 (collagen type XVII alpha 1 chain; minus strand). Cytogenetic location: 10q25.1.
Variant type: single nucleotide variant.
Coding change: c.3043C>T on transcript NM_000494.4 (MANE Select); coding-DNA position 3043, C replaced by T.
Protein change: p.Gln1015Ter; replaces glutamine 1015 with a stop codon.
Molecular consequence: nonsense.
Genome position (GRCh38, 1-based): chr10:104,038,433, G>A on the plus strand (C>T on the coding strand, the complement: COL17A1 is on the minus strand). VCF-style: chr10-104038433-G-A. GRCh37 (hg19) VCF-style: chr10-105798191-G-A.
Other names: short protein forms Q1015*.
Identifiers: ClinVar variation 2710504 (VCV002710504.3), dbSNP rs2493292694, ClinGen allele CA378067439.